The following is an entry in ClinVar:

ClinVar aggregate classification (germline): Conflicting classifications of pathogenicity. Review status: criteria provided, conflicting classifications (1 of 4 stars). 3 submissions from 3 submitters: Likely pathogenic (1); Uncertain significance (1). 1 of the submissions does not count toward it. Last evaluated 2025-09-11.

Conditions:
RHIZOMELIC SKELETAL DYSPLASIA WITH PELGER-HUET ANOMALY.

Allele frequency attached by ClinVar (database versions not stated): gnomAD exomes below 0.00001.
gnomAD v4.1: 3 of 1,610,282 alleles (0.00019%); highest among the groups gnomAD compares: Non-Finnish European, 0.00017%; no homozygotes.

Submissions (3):

Labcorp Genetics (formerly Invitae), Labcorp
Classification: Uncertain significance. Last evaluated: 2025-09-11. Review status: criteria provided, single submitter. Criteria: Invitae Variant Classification Sherloc (09022015). Collection method: clinical testing. Allele origin: germline.
Comment: This sequence change replaces arginine, which is basic and polar, with glycine, which is neutral and non-polar, at codon 502 of the LBR protein (p.Arg502Gly). This variant is present in population databases (no rsID available, gnomAD 0.0009%). This missense change has been observed in individual(s) with clinical features of LBR-related conditions (PMID: 30448303). ClinVar contains an entry for this variant (Variation ID: 429297). Invitae Evidence Modeling of protein sequence and biophysical properties (such as structural, functional, and spatial information, amino acid conservation, physicochemical variation, residue mobility, and thermodynamic stability) indicates that this missense variant is expected to disrupt LBR protein function with a positive predictive value of 80%. In summary, the available evidence is currently insufficient to determine the role of this variant in disease. Therefore, it has been classified as a Variant of Uncertain Significance.

GeneDx
Classification: Likely pathogenic. Last evaluated: 2015-08-13. Review status: criteria provided, single submitter. Criteria: GeneDx Variant Classification (06012015). Collection method: clinical testing. Allele origin: germline. Affected: yes.
Comment: The R502G variant in the LBR gene has not been published as a pathogenic variant, nor has it been reported as a benign polymorphism to our knowledge. The R502G variant was not observed in approximately 6,500 individuals of European and African American ancestry in the NHLBI Exome Sequencing Project, indicating it is not a common benign variant in these populations. The R502G variant is a non-conservative amino acid substitution, which is likely to impact secondary protein structure as these residues differ in polarity, charge, size and/or other properties. This substitution occurs at a position that is conserved across species. In silico analysis predicts this variant is probably damaging to the protein structure/function. The R502G variant is a strong candidate for a disease-causing variant, however the possibility it may be a rare benign variant cannot be excluded.

OMIM
Classification: Pathogenic for RHIZOMELIC SKELETAL DYSPLASIA WITH PELGER-HUET ANOMALY. Last evaluated: 2022-03-17. Review status: no assertion criteria provided. Collection method: literature only. Allele origin: germline. Not counted in ClinVar's aggregate classification.

Literature cited by the submitters: PubMed 30448303 (cited by Labcorp Genetics (formerly Invitae), Labcorp and OMIM).

NM_002296.4(LBR):c.1504C>G (p.Arg502Gly)

Gene: LBR (lamin B receptor; minus strand). Cytogenetic location: 1q42.12.
Variant type: single nucleotide variant.
Coding change: c.1504C>G on transcript NM_002296.4 (MANE Select); coding-DNA position 1504, C replaced by G.
Protein change: p.Arg502Gly; replaces arginine 502 with glycine.
Molecular consequence: missense variant.
Genome position (GRCh38, 1-based): chr1:225,404,686, G>C on the plus strand (C>G on the coding strand, the complement: LBR is on the minus strand). VCF-style: chr1-225404686-G-C. GRCh37 (hg19) VCF-style: chr1-225592388-G-C.
Other names: c.1504C>G, p.Arg502Gly (NM_194442.3); short protein forms R502G.
Identifiers: ClinVar variation 429297 (VCV000429297.5), dbSNP rs1131691304, ClinGen allele CA344993270.
Genomic context (GRCh38, chr1:225,404,686, plus strand): 5'-GTGCAAGCTTTGGATCACTGGGATTTTTCCGGAATGCATTTTTCTGAGAATTTGCACCTC[G>C]GAAGATTACATAACCACAAACTGCAATTTTAAAATATTTTCCTATGTTAATAACTTAGTT-3'
Protein context (NP_002287.2, residues 492-512): VLKLCGYVIF[Arg502Gly]GANSQKNAFR